The following is an entry in ClinVar:

NM_020750.3(XPO5):c.2678-3C>T

Genes: POLR1C (RNA polymerase I and III subunit C; plus strand), XPO5 (exportin 5; minus strand). Cytogenetic location: 6p21.1.
Variant type: single nucleotide variant.
Coding change: c.2678-3C>T on transcript NM_020750.3 (MANE Select); 3 bases into the intron before coding-DNA position 2678, C replaced by T.
Molecular consequence: intron variant.
Genome position (GRCh38, 1-based): chr6:43,528,928, G>A on the plus strand (C>T on the coding strand, the complement: XPO5 is on the minus strand). VCF-style: chr6-43528928-G-A. GRCh37 (hg19) VCF-style: chr6-43496666-G-A.
Other names: c.922+7880G>A (NM_001363658.2); c.923-321G>A (NM_001318876.2).
Identifiers: ClinVar variation 1930193 (VCV001930193.4), dbSNP rs373586741, ClinGen allele CA138334670.

ClinVar aggregate classification (germline): Uncertain significance (1 of 4 stars; one submission).

Allele frequency attached by ClinVar (database versions not stated): gnomAD exomes below 0.00001; ESP Exome Variant Server 0.00008; gnomAD 0.00002; TOPMed 0.00003.
gnomAD v4.1: 9 of 1,610,064 alleles (0.00056%); highest among the groups gnomAD compares: African/African-American, 0.0094%; no homozygotes.

Submission:

Labcorp Genetics (formerly Invitae), Labcorp
Classification: Uncertain significance. Last evaluated: 2025-06-12. Review status: criteria provided, single submitter. Criteria: Invitae Variant Classification Sherloc (09022015). Collection method: clinical testing. Allele origin: germline.
Comment: This sequence change falls in intron 23 of the XPO5 gene. It does not directly change the encoded amino acid sequence of the XPO5 protein. It affects a nucleotide within the consensus splice site. This variant is present in population databases (rs373586741, gnomAD 0.01%). This variant has not been reported in the literature in individuals affected with XPO5-related conditions. ClinVar contains an entry for this variant (Variation ID: 1930193). Variants that disrupt the consensus splice site are a relatively common cause of aberrant splicing (PMID: 17576681, 9536098). Algorithms developed to predict the effect of sequence changes on RNA splicing suggest that this variant is not likely to affect RNA splicing. In summary, the available evidence is currently insufficient to determine the role of this variant in disease. Therefore, it has been classified as a Variant of Uncertain Significance.

Literature cited by the submitters: PubMed 17576681; PubMed 9536098.